The following is an entry in ClinVar:

ClinVar aggregate classification (germline): Pathogenic/Likely pathogenic. Review status: criteria provided, multiple submitters, no conflicts (2 of 4 stars). 4 submissions from 4 submitters: Pathogenic (3); Likely pathogenic (1). Last evaluated 2025-12-29.

Conditions:
Familial adenomatous polyposis 4 (FAP4). Also called: MSH3-related attenuated familial adenomatous polyposis. Identifiers: Orphanet 480536, MedGen C4310719, MONDO:0044300, OMIM 617100.
Hereditary cancer-predisposing syndrome. Also called: Tumor predisposition; Hereditary neoplastic syndrome; Neoplastic Syndromes, Hereditary; Hereditary Cancer Syndrome. Identifiers: Orphanet 140162, MedGen C0027672, MeSH D009386, MONDO:0015356.

Submissions (4):

Center for Genomic Medicine, Rigshospitalet, Copenhagen University Hospital
Classification: Likely pathogenic. Last evaluated: 2025-12-29. Review status: criteria provided, single submitter. Criteria: ACMG Guidelines, 2015. Collection method: clinical testing. Allele origin: germline.

Myriad Genetics, Inc.
Classification: Pathogenic for Familial adenomatous polyposis 4. Last evaluated: 2023-08-30. Review status: criteria provided, single submitter. Criteria: Myriad Autosomal Dominant, Autosomal Recessive and X-Linked Classification Criteria (2023). Collection method: clinical testing. Allele origin: unknown.
Comment: This variant is considered pathogenic. This variant creates a frameshift predicted to result in premature protein truncation.

Labcorp Genetics (formerly Invitae), Labcorp
Classification: Pathogenic. Last evaluated: 2023-02-04. Review status: criteria provided, single submitter. Criteria: Invitae Variant Classification Sherloc (09022015). Collection method: clinical testing. Allele origin: germline.
Comment: For these reasons, this variant has been classified as Pathogenic. ClinVar contains an entry for this variant (Variation ID: 819449). This variant has not been reported in the literature in individuals affected with MSH3-related conditions. This variant is not present in population databases (gnomAD no frequency). This sequence change creates a premature translational stop signal (p.Lys508Asnfs*28) in the MSH3 gene. It is expected to result in an absent or disrupted protein product. Loss-of-function variants in MSH3 are known to be pathogenic (PMID: 27476653).

Ambry Genetics
Classification: Pathogenic for Hereditary cancer-predisposing syndrome. Last evaluated: 2019-11-20. Review status: criteria provided, single submitter. Criteria: Ambry Variant Classification Scheme 2023. Collection method: clinical testing. Allele origin: germline.
Comment: The c.1524delA pathogenic mutation, located in coding exon 10 of the MSH3 gene, results from a deletion of one nucleotide at nucleotide position 1524, causing a translational frameshift with a predicted alternate stop codon (p.K508Nfs*28). This alteration is expected to result in loss of function by premature protein truncation or nonsense-mediated mRNA decay. As such, this alteration is interpreted as a disease-causing mutation.

Literature cited by the submitters: PubMed 27476653 (cited by Labcorp Genetics (formerly Invitae), Labcorp).

NM_002439.5(MSH3):c.1524del (p.Lys508fs)

Gene: MSH3 (mutS homolog 3; plus strand). Cytogenetic location: 5q14.1.
Variant type: Deletion.
Coding change: c.1524del on transcript NM_002439.5 (MANE Select); coding-DNA position 1524, one base deleted (A; older notation c.1524delA).
Protein change: p.Lys508fs; shifts the reading frame from lysine 508.
Molecular consequence: frameshift variant.
Genome position (GRCh38, 1-based): chr5:80,728,921, A deleted; the last of 4 consecutive A bases (chr5:80,728,918-80,728,921); deleting any one gives the same sequence. VCF-style (leftmost placement, unchanged base first): chr5-80728917-TA-T. GRCh37 (hg19) VCF-style: chr5-80024736-TA-T.
Other names: c.1524delA (NM_002439.5); short protein forms K508fs.
Identifiers: ClinVar variation 819449 (VCV000819449.14), dbSNP rs1580589397, ClinGen allele CA915943381.